The following is an entry in ClinVar:

ClinVar aggregate classification (germline): Uncertain significance. Review status: criteria provided, multiple submitters, no conflicts (2 of 4 stars). 2 submissions from 2 submitters: Uncertain significance (2). Last evaluated 2023-11-19.

Conditions:
Hereditary cancer-predisposing syndrome. Also called: Neoplastic Syndromes, Hereditary; Tumor predisposition; Hereditary Cancer Syndrome; Hereditary neoplastic syndrome. Identifiers: Orphanet 140162, MedGen C0027672, MeSH D009386, MONDO:0015356.

Submissions (2):

Ambry Genetics
Classification: Uncertain significance for Hereditary cancer-predisposing syndrome. Last evaluated: 2023-11-19. Review status: criteria provided, single submitter. Criteria: Ambry Variant Classification Scheme 2023. Collection method: clinical testing. Allele origin: germline.
Comment: The p.T536S variant (also known as c.1607C>G), located in coding exon 10 of the RAD50 gene, results from a C to G substitution at nucleotide position 1607. The threonine at codon 536 is replaced by serine, an amino acid with similar properties. This amino acid position is conserved. In addition, the in silico prediction for this alteration is inconclusive. Since supporting evidence is limited at this time, the clinical significance of this alteration remains unclear.

Labcorp Genetics (formerly Invitae), Labcorp
Classification: Uncertain significance for Hereditary cancer-predisposing syndrome. Last evaluated: 2021-08-19. Review status: criteria provided, single submitter. Criteria: Invitae Variant Classification Sherloc (09022015). Collection method: clinical testing. Allele origin: germline.
Comment: In summary, the available evidence is currently insufficient to determine the role of this variant in disease. Therefore, it has been classified as a Variant of Uncertain Significance. Algorithms developed to predict the effect of missense changes on protein structure and function (SIFT, PolyPhen-2, Align-GVGD) all suggest that this variant is likely to be tolerated, but these predictions have not been confirmed by published functional studies and their clinical significance is uncertain. This variant has not been reported in the literature in individuals with RAD50-related disease. This variant is not present in population databases (ExAC no frequency). This sequence change replaces threonine with serine at codon 536 of the RAD50 protein (p.Thr536Ser). The threonine residue is moderately conserved and there is a small physicochemical difference between threonine and serine.

NM_005732.4(RAD50):c.1607C>G (p.Thr536Ser)

Gene: RAD50 (RAD50 double strand break repair protein; plus strand). Cytogenetic location: 5q31.1.
Variant type: single nucleotide variant.
Coding change: c.1607C>G on transcript NM_005732.4 (MANE Select); coding-DNA position 1607, C replaced by G.
Protein change: p.Thr536Ser; replaces threonine 536 with serine.
Molecular consequence: missense variant.
Genome position (GRCh38, 1-based): chr5:132,591,378, C>G. VCF-style: chr5-132591378-C-G. GRCh37 (hg19) VCF-style: chr5-131927070-C-G.
Other names: short protein forms T536S.
Identifiers: ClinVar variation 527382 (VCV000527382.10), dbSNP rs1554098423, ClinGen allele CA360946103.